The following is an entry in ClinVar:

ClinVar aggregate classification (germline): Pathogenic (1 of 4 stars; one submission).

Conditions:
Proteinuria, chronic benign. Identifiers: MedGen C5394384, MONDO:0030042, OMIM 618884.
Imerslund-Grasbeck syndrome type 1 (IGS1). Also called: Megaloblastic anemia 1, Finnish type; MEGALOBLASTIC ANEMIA, 1; Imerslund-Gräsbeck syndrome 1. Identifiers: MedGen C4016819, MONDO:0100156, OMIM 261100.

Submission:

Fulgent Genetics
Classification: Pathogenic for Imerslund-Grasbeck syndrome type 1; Proteinuria, chronic benign. Last evaluated: 2021-06-30. Review status: criteria provided, single submitter. Criteria: ACMG Guidelines, 2015. Collection method: clinical testing. Allele origin: unknown.
Comment: This variant has been detected in individual(s) who were sent for testing of Renasight - kidney gene panel.

NM_001081.4(CUBN):c.796G>T (p.Glu266Ter)

Gene: CUBN (cubilin; minus strand). Cytogenetic location: 10p13.
Variant type: single nucleotide variant.
Coding change: c.796G>T on transcript NM_001081.4 (MANE Select); coding-DNA position 796, G replaced by T.
Protein change: p.Glu266Ter; replaces glutamic acid 266 with a stop codon.
Molecular consequence: nonsense.
Genome position (GRCh38, 1-based): chr10:17,114,114, C>A on the plus strand (G>T on the coding strand, the complement: CUBN is on the minus strand). VCF-style: chr10-17114114-C-A. GRCh37 (hg19) VCF-style: chr10-17156113-C-A.
Other names: short protein forms E266*.
Identifiers: ClinVar variation 1179177 (VCV001179177.2), dbSNP rs1161400848, ClinGen allele CA376165591.